The following is an entry in ClinVar:

ClinVar aggregate classification (germline): Uncertain significance (1 of 4 stars; one submission).

Allele frequency attached by ClinVar (database versions not stated): TOPMed below 0.00001; gnomAD 0.00001; gnomAD exomes 0.00002.

Submission:

Greenwood Genetic Center Diagnostic Laboratories, Greenwood Genetic Center
Classification: Uncertain significance. Last evaluated: 2023-05-02. Review status: criteria provided, single submitter. Criteria: ACMG Guidelines, 2015. Collection method: clinical testing. Allele origin: germline. Affected: yes.
Comment: Gene of Uncertain Significance

NM_020759.3(STARD9):c.10595dup (p.Tyr3532Ter)

Gene: STARD9 (StAR related lipid transfer domain containing 9; plus strand). Cytogenetic location: 15q15.2.
Variant type: Duplication.
Coding change: c.10595dup on transcript NM_020759.3 (MANE Select); coding-DNA position 10595, one base duplicated (A; older notation c.10595dupA).
Protein change: p.Tyr3532Ter; replaces tyrosine 3532 with a stop codon.
Molecular consequence: nonsense.
Genome position (GRCh38, 1-based): chr15:42,692,173, A duplicated. VCF-style (leftmost placement, unchanged base first): chr15-42692172-T-TA. GRCh37 (hg19) VCF-style: chr15-42984370-T-TA.
Other names: short protein forms Y3532*.
Identifiers: ClinVar variation 2572185 (VCV002572185.1), dbSNP rs1488786537, ClinGen allele CA618001983.
Genomic context (GRCh38, chr15:42,692,172, plus strand): 5'-TCCAGCATGGACAATGGCCTAGAAGACCAGAACTCCCCTTTCCACTCCCACCTCAGCACT[T>TA]ACGCCAATATTTGTGATCTGTCAACCACACACAGCAGCACTGAGAATGCCCAGGGTTCAA-3'